The following is an entry in ClinVar:

NM_024706.5(ZNF668):c.1517dup (p.Gly506_Glu507insTer)

Gene: ZNF668 (zinc finger protein 668; minus strand). Cytogenetic location: 16p11.2.
Variant type: Duplication.
Coding change: c.1517dup on transcript NM_024706.5 (MANE Select); coding-DNA position 1517, one base duplicated (G; older notation c.1517dupG).
Protein change: p.Gly506_Glu507insTer.
Molecular consequence: frameshift variant.
Genome position (GRCh38, 1-based): chr16:31,061,411, C duplicated on the plus strand (G on the coding strand, the reverse complement: ZNF668 is on the minus strand); the first of 6 consecutive C bases (chr16:31,061,411-31,061,416); duplicating any one gives the same sequence. VCF-style (leftmost placement, unchanged base first): chr16-31061410-A-AC. GRCh37 (hg19) VCF-style: chr16-31072731-A-AC.
Other names: c.1517dup, p.Gly506_Glu507insTer (NM_001172668.2, NM_001172670.2); c.1586dup, p.Gly529_Glu530insTer (NM_001172669.2).
Identifiers: ClinVar variation 4855658 (VCV004855658.1).

ClinVar aggregate classification (germline): Uncertain significance (1 of 4 stars; one submission).

Conditions:
Neurodevelopmental disorder with poor growth, large ears, and dysmorphic facies (NEDGEF). Identifiers: MedGen C5774288, MONDO:0859350, OMIM 620194.

Submission:

3billion
Classification: Uncertain significance for Neurodevelopmental disorder with poor growth, large ears, and dysmorphic facies. Last evaluated: 2026-01-21. Review status: criteria provided, single submitter. Criteria: ACMG Guidelines, 2015. Collection method: clinical testing. Allele origin: germline. Affected: yes.
Comment: The variant is observed at an extremely low frequency in the gnomAD v4.1.0 dataset (total allele frequency: <0.001%). Predicted Consequence/Location: Stop-gained (nonsense): predicted to result in a loss or disruption of normal protein function through protein truncation. Multiple pathogenic variants are reported in the predicted truncated region. Therefore, this variant is classified as VUS according to the recommendation of ACMG/AMP guideline.